The following is an entry in ClinVar:

ClinVar aggregate classification (germline): Uncertain significance (1 of 4 stars; one submission).

Submission:

Labcorp Genetics (formerly Invitae), Labcorp
Classification: Uncertain significance. Last evaluated: 2024-08-05. Review status: criteria provided, single submitter. Criteria: Invitae Variant Classification Sherloc (09022015). Collection method: clinical testing. Allele origin: germline.
Comment: This sequence change replaces glycine, which is neutral and non-polar, with arginine, which is basic and polar, at codon 299 of the SLC27A4 protein (p.Gly299Arg). This variant is not present in population databases (gnomAD no frequency). This variant has not been reported in the literature in individuals affected with SLC27A4-related conditions. Advanced modeling of protein sequence and biophysical properties (such as structural, functional, and spatial information, amino acid conservation, physicochemical variation, residue mobility, and thermodynamic stability) has been performed at Invitae for this missense variant, however the output from this modeling did not meet the statistical confidence thresholds required to predict the impact of this variant on SLC27A4 protein function. In summary, the available evidence is currently insufficient to determine the role of this variant in disease. Therefore, it has been classified as a Variant of Uncertain Significance.

NM_005094.4(SLC27A4):c.895G>C (p.Gly299Arg)

Gene: SLC27A4 (solute carrier family 27 member 4; plus strand). Cytogenetic location: 9q34.11.
Variant type: single nucleotide variant.
Coding change: c.895G>C on transcript NM_005094.4 (MANE Select); coding-DNA position 895, G replaced by C.
Protein change: p.Gly299Arg; replaces glycine 299 with arginine.
Molecular consequence: missense variant.
Genome position (GRCh38, 1-based): chr9:128,352,655, G>C. VCF-style: chr9-128352655-G-C. GRCh37 (hg19) VCF-style: chr9-131114934-G-C.
Other names: short protein forms G299R.
Identifiers: ClinVar variation 3657764 (VCV003657764.2).